The following is an entry in ClinVar:

ClinVar aggregate classification (germline): Uncertain significance (1 of 4 stars; one submission).

Conditions:
Hereditary cancer-predisposing syndrome. Also called: Neoplastic Syndromes, Hereditary; Tumor predisposition; Hereditary neoplastic syndrome; Hereditary Cancer Syndrome. Identifiers: Orphanet 140162, MedGen C0027672, MeSH D009386, MONDO:0015356.

Submission:

Ambry Genetics
Classification: Uncertain significance for Hereditary cancer-predisposing syndrome. Last evaluated: 2023-01-26. Review status: criteria provided, single submitter. Criteria: Ambry Variant Classification Scheme 2023. Collection method: clinical testing. Allele origin: germline.
Comment: The p.R184G variant (also known as c.550C>G), located in coding exon 7 of the MUTYH gene, results from a C to G substitution at nucleotide position 550. The arginine at codon 184 is replaced by glycine, an amino acid with dissimilar properties. This amino acid position is conserved. In addition, this alteration is predicted to be tolerated by in silico analysis. Since supporting evidence is limited at this time, the clinical significance of this alteration remains unclear.

NM_001048174.2(MUTYH):c.466C>G (p.Arg156Gly)

Gene: MUTYH (mutY DNA glycosylase; minus strand). Cytogenetic location: 1p34.1.
Variant type: single nucleotide variant.
Coding change: c.466C>G on transcript NM_001048174.2 (MANE Select); coding-DNA position 466, C replaced by G.
Protein change: p.Arg156Gly; replaces arginine 156 with glycine.
Molecular consequence: missense variant. On other transcripts: non-coding transcript variant (7).
Genome position (GRCh38, 1-based): chr1:45,332,789, G>C on the plus strand (C>G on the coding strand, the complement: MUTYH is on the minus strand). VCF-style: chr1-45332789-G-C. GRCh37 (hg19) VCF-style: chr1-45798461-G-C.
Other names: c.466C>G, p.Arg156Gly (NM_001048171.2, NM_001048173.2, NM_001293195.2 and 6 more transcripts); c.469C>G, p.Arg157Gly (NM_001048172.2, NM_001407071.1, NM_001407078.1 and 1 more transcripts); c.550C>G, p.Arg184Gly (NM_001128425.2); c.511C>G, p.Arg171Gly (NM_001293190.2); c.499C>G, p.Arg167Gly (NM_001293191.2, NM_001407069.1, NM_001407077.1); c.190C>G, p.Arg64Gly (NM_001293192.2, NM_001293196.2, NM_001407091.1); c.121C>G, p.Arg41Gly (NM_001350650.2, NM_001350651.2, NM_001407082.1); c.382C>G, p.Arg128Gly (NM_001407075.1); and 5 more; short protein forms R128G, R157G, R184G, R64G, R143G, R156G, R171G, R163G.
Identifiers: ClinVar variation 2453364 (VCV002453364.2), dbSNP rs779997419, ClinGen allele CA340135649.